The following is an entry in ClinVar:

ClinVar aggregate classification (germline): Uncertain significance (1 of 4 stars; one submission).

Submission:

Labcorp Genetics (formerly Invitae), Labcorp
Classification: Uncertain significance. Last evaluated: 2023-10-03. Review status: criteria provided, single submitter. Criteria: Invitae Variant Classification Sherloc (09022015). Collection method: clinical testing. Allele origin: germline.
Comment: This sequence change replaces serine, which is neutral and polar, with cysteine, which is neutral and slightly polar, at codon 423 of the SLC25A12 protein (p.Ser423Cys). This variant is not present in population databases (gnomAD no frequency). This variant has not been reported in the literature in individuals affected with SLC25A12-related conditions. ClinVar contains an entry for this variant (Variation ID: 972357). Advanced modeling of protein sequence and biophysical properties (such as structural, functional, and spatial information, amino acid conservation, physicochemical variation, residue mobility, and thermodynamic stability) performed at Invitae indicates that this missense variant is not expected to disrupt SLC25A12 protein function. In summary, the available evidence is currently insufficient to determine the role of this variant in disease. Therefore, it has been classified as a Variant of Uncertain Significance.

NM_003705.5(SLC25A12):c.1268C>G (p.Ser423Cys)

Gene: SLC25A12 (solute carrier family 25 member 12; minus strand). Cytogenetic location: 2q31.1.
Variant type: single nucleotide variant.
Coding change: c.1268C>G on transcript NM_003705.5 (MANE Select); coding-DNA position 1268, C replaced by G.
Protein change: p.Ser423Cys; replaces serine 423 with cysteine.
Molecular consequence: missense variant. On other transcripts: non-coding transcript variant (1).
Genome position (GRCh38, 1-based): chr2:171,809,643, G>C on the plus strand (C>G on the coding strand, the complement: SLC25A12 is on the minus strand). VCF-style: chr2-171809643-G-C. GRCh37 (hg19) VCF-style: chr2-172666153-G-C.
Other names: short protein forms S423C.
Identifiers: ClinVar variation 972357 (VCV000972357.7), dbSNP rs1683909727, ClinGen allele CA349289817.